The following is an entry in ClinVar:

ClinVar aggregate classification (germline): Uncertain significance (1 of 4 stars; one submission).

Submission:

Labcorp Genetics (formerly Invitae), Labcorp
Classification: Uncertain significance. Last evaluated: 2025-06-12. Review status: criteria provided, single submitter. Criteria: Invitae Variant Classification Sherloc (09022015). Collection method: clinical testing. Allele origin: germline.
Comment: This sequence change replaces glycine, which is neutral and non-polar, with valine, which is neutral and non-polar, at codon 1124 of the EGF protein (p.Gly1124Val). This variant is not present in population databases (gnomAD no frequency). This variant has not been reported in the literature in individuals affected with EGF-related conditions. ClinVar contains an entry for this variant (Variation ID: 1969724). An algorithm developed to predict the effect of missense changes on protein structure and function (PolyPhen-2) suggests that this variant is likely to be tolerated. In summary, the available evidence is currently insufficient to determine the role of this variant in disease. Therefore, it has been classified as a Variant of Uncertain Significance.

NM_001963.6(EGF):c.3371G>T (p.Gly1124Val)

Gene: EGF (epidermal growth factor; plus strand). Cytogenetic location: 4q25.
Variant type: single nucleotide variant.
Coding change: c.3371G>T on transcript NM_001963.6 (MANE Select); coding-DNA position 3371, G replaced by T.
Protein change: p.Gly1124Val; replaces glycine 1124 with valine.
Molecular consequence: missense variant.
Genome position (GRCh38, 1-based): chr4:110,011,202, G>T. VCF-style: chr4-110011202-G-T. GRCh37 (hg19) VCF-style: chr4-110932358-G-T.
Other names: c.3248G>T, p.Gly1083Val (NM_001178130.3); c.3245G>T, p.Gly1082Val (NM_001178131.3); c.2923G>T, p.Gly975Cys (NM_001357021.2); short protein forms G1124V, G1083V, G1082V, G975C.
Identifiers: ClinVar variation 1969724 (VCV001969724.5), dbSNP rs1753955087, ClinGen allele CA357875378.